The following is an entry in ClinVar:

NM_000059.4(BRCA2):c.9257-1451del

Gene: BRCA2 (BRCA2 DNA repair associated; plus strand). Cytogenetic location: 13q13.1.
Variant type: Deletion.
Coding change: c.9257-1451del on transcript NM_000059.4 (MANE Select); 1451 bases into the intron before coding-DNA position 9257, one base deleted (C; older notation c.9257-1451delC).
Molecular consequence: intron variant.
Genome position (GRCh38, 1-based): chr13:32,393,238, C deleted. VCF-style (leftmost placement, unchanged base first): chr13-32393237-TC-T. GRCh37 (hg19) VCF-style: chr13-32967374-TC-T.
Other names: IVS 24-1451del.
Identifiers: ClinVar variation 209902 (VCV000209902.1), dbSNP rs11571814, ClinGen allele CA276870.

ClinVar aggregate classification (germline): Benign (3 of 4 stars; one submission).

Conditions:
Breast-ovarian cancer, familial, susceptibility to, 2 (BROVCA2). Also called: BRCA2 Hereditary Breast and Ovarian Cancer. Identifiers: Orphanet 145, MedGen C2675520, MONDO:0012933, OMIM 612555. Disease mechanism: loss of function.

Allele frequency attached by ClinVar (database versions not stated): TOPMed 0.14408; gnomAD 0.15098 and 0.15507; 1000 Genomes Project 30x 0.15740; 1000 Genomes Project 0.15994.

Submission:

Evidence-based Network for the Interpretation of Germline Mutant Alleles (ENIGMA)
Classification: Benign for Breast-ovarian cancer, familial 2. Last evaluated: 2015-01-12. Review status: reviewed by expert panel. Criteria: ENIGMA BRCA1/2 Classification Criteria (2015). Collection method: curation. Allele origin: germline.
Comment: Class 1 not pathogenic based on frequency >1% in an outbred sampleset. Frequency 0.23 (Asian), 0.02 (African), 0.21 (European), derived from 1000 genomes (2012-04-30).